The following is an entry in ClinVar:

NM_000051.4(ATM):c.7907C>T (p.Thr2636Ile)

Genes: ATM (ATM serine/threonine kinase; plus strand), C11orf65 (chromosome 11 open reading frame 65; minus strand). Cytogenetic location: 11q22.3.
Variant type: single nucleotide variant.
Coding change: c.7907C>T on transcript NM_000051.4 (MANE Select); coding-DNA position 7907, C replaced by T.
Protein change: p.Thr2636Ile; replaces threonine 2636 with isoleucine.
Molecular consequence: missense variant. On other transcripts: intron variant (2).
Genome position (GRCh38, 1-based): chr11:108,332,880, C>T. VCF-style: chr11-108332880-C-T. GRCh37 (hg19) VCF-style: chr11-108203607-C-T.
Other names: c.7907C>T, p.Thr2636Ile (NM_001351834.2); c.641-23809G>A (NM_001330368.2); c.*38+2340G>A (NM_001351110.2); short protein forms T2636I.
Identifiers: ClinVar variation 926428 (VCV000926428.9), dbSNP rs2086428372, ClinGen allele CA382561490.

ClinVar aggregate classification (germline): Uncertain significance. Review status: criteria provided, multiple submitters, no conflicts (2 of 4 stars). 4 submissions from 4 submitters: Uncertain significance (4). Last evaluated 2023-12-05.

Conditions:
Hereditary cancer-predisposing syndrome. Also called: Tumor predisposition; Neoplastic Syndromes, Hereditary; Hereditary neoplastic syndrome; Hereditary Cancer Syndrome. Identifiers: Orphanet 140162, MedGen C0027672, MeSH D009386, MONDO:0015356.
Ataxia-telangiectasia syndrome (AT). Also called: Ataxia-telangiectasia, complementation group D; AT, COMPLEMENTATION GROUP C; ATAXIA-TELANGIECTASIA, COMPLEMENTATION GROUP A; ATAXIA-TELANGIECTASIA, FRESNO VARIANT; Ataxia-telangiectasia; Ataxia telangiectasia (A-T). Identifiers: Orphanet 100, MedGen C0004135, MONDO:0008840, OMIM 208900.

Submissions (4):

Color Diagnostics, LLC DBA Color Health
Classification: Uncertain significance for Hereditary cancer-predisposing syndrome. Last evaluated: 2023-12-05. Review status: criteria provided, single submitter. Criteria: ACMG Guidelines, 2015. Collection method: clinical testing. Allele origin: germline.
Comment: This missense variant replaces threonine with isoleucine at codon 2636 of the ATM protein. Computational prediction suggests that this variant may not impact protein structure and function (internally defined REVEL score threshold <= 0.5, PMID: 27666373). To our knowledge, functional studies have not been reported for this variant. This variant has not been reported in individuals affected with ATM-related disorders in the literature. This variant has not been identified in the general population by the Genome Aggregation Database (gnomAD). The available evidence is insufficient to determine the role of this variant in disease conclusively. Therefore, this variant is classified as a Variant of Uncertain Significance.

Labcorp Genetics (formerly Invitae), Labcorp
Classification: Uncertain significance for Ataxia-telangiectasia syndrome. Last evaluated: 2023-06-14. Review status: criteria provided, single submitter. Criteria: Invitae Variant Classification Sherloc (09022015). Collection method: clinical testing. Allele origin: germline.
Comment: An algorithm developed to predict the effect of missense changes on protein structure and function (PolyPhen-2) suggests that this variant is likely to be tolerated. In summary, the available evidence is currently insufficient to determine the role of this variant in disease. Therefore, it has been classified as a Variant of Uncertain Significance. ClinVar contains an entry for this variant (Variation ID: 926428). This variant has not been reported in the literature in individuals affected with ATM-related conditions. This variant is not present in population databases (gnomAD no frequency). This sequence change replaces threonine, which is neutral and polar, with isoleucine, which is neutral and non-polar, at codon 2636 of the ATM protein (p.Thr2636Ile).

Mendelics
Classification: Uncertain significance. Last evaluated: 2022-05-04. Review status: criteria provided, single submitter. Criteria: Mendelics Assertion Criteria 2019. Collection method: clinical testing. Allele origin: germline.

Laboratorio de Genetica e Diagnostico Molecular, Hospital Israelita Albert Einstein
Classification: Uncertain significance. Last evaluated: 2020-08-31. Review status: criteria provided, single submitter. Criteria: ACMG Guidelines, 2015. Collection method: clinical testing. Allele origin: germline. Affected: yes.
Comment: ACMG classification criteria: PM2, BP4